The following is an entry in ClinVar:

ClinVar aggregate classification (germline): Pathogenic/Likely pathogenic. Review status: criteria provided, multiple submitters, no conflicts (2 of 4 stars). 3 submissions from 3 submitters: Pathogenic (1); Likely pathogenic (1). 1 of the submissions does not count toward it. Last evaluated 2024-06-12.

Conditions:
Fanconi anemia complementation group N. Also called: PALB2-Related Fanconi Anemia. Identifiers: Orphanet 84, MedGen C1835817, MONDO:0012565, OMIM 610832. Disease mechanism: loss of function.
Breast-ovarian cancer, familial, susceptibility to, 5 (BROVCA5). Identifiers: MedGen C5830615, MONDO:0957530, OMIM 620442.
Pancreatic cancer, susceptibility to, 3. Identifiers: Orphanet 1333, MedGen C3150547, MONDO:0013236, OMIM 613348.
Carcinoma of colon (CRC). Also called: Colonic carcinoma; Colon carcinoma. Identifiers: MedGen C0699790, MONDO:0002032.
Familial cancer of breast. Also called: BREAST CANCER, FAMILIAL; hereditary breast carcinoma; Hereditary breast cancer. Identifiers: Orphanet 227535, MedGen C0346153, MONDO:0016419, OMIM 114480. Disease mechanism: loss of function.

Submissions (3):

Fulgent Genetics
Classification: Likely pathogenic for Fanconi anemia complementation group N; Pancreatic cancer, susceptibility to, 3; Breast-ovarian cancer, familial, susceptibility to, 5. Last evaluated: 2024-06-12. Review status: criteria provided, single submitter. Criteria: ACMG Guidelines, 2015. Collection method: clinical testing. Allele origin: germline.

Myriad Genetics, Inc.
Classification: Pathogenic for Familial cancer of breast. Last evaluated: 2023-09-07. Review status: criteria provided, single submitter. Criteria: Myriad Autosomal Dominant, Autosomal Recessive and X-Linked Classification Criteria (2023). Collection method: clinical testing. Allele origin: unknown.
Comment: This variant is considered pathogenic. This variant creates a frameshift predicted to result in premature protein truncation.

Department of Pathology and Laboratory Medicine, Sinai Health System
Classification: Likely pathogenic for Carcinoma of colon. Review status: no assertion criteria provided. Collection method: clinical testing. Allele origin: unknown. Affected: yes. Study: The Canadian Open Genetics Repository (COGR). Not counted in ClinVar's aggregate classification.
Comment: The PALB2 p.Val298Leufs*4 variant was not identified in the literature nor was it identified in the dbSNP, ClinVar, Cosmic, LOVD 3.0, or Zhejiang University databases. The variant was not identified in the following control databases: the Exome Aggregation Consortium (August 8th 2016), or the Genome Aggregation Database (Feb 27, 2017). The c.892_893del variant is predicted to cause a frameshift, which alters the protein's amino acid sequence beginning at codon 298 and leads to a premature stop codon at position 301. This alteration is then predicted to result in a truncated or absent protein and loss of function. Loss of function variants of the PALB2 gene are an established mechanism of disease in PALB2 associated cancers and is the type of variant expected to cause the disorder. In summary, based on the above information the clinical significance of this variant cannot be determined with certainty at this time although we would lean towards a more pathogenic role for this variant. This variant is classified as likely pathogenic.

NM_024675.4(PALB2):c.892_893del (p.Val298fs)

Gene: PALB2 (partner and localizer of BRCA2; minus strand). Cytogenetic location: 16p12.2.
Variant type: Deletion.
Coding change: c.892_893del on transcript NM_024675.4 (MANE Select); coding-DNA positions 892 to 893, 2 bases deleted (GT; older notation c.892_893delGT).
Protein change: p.Val298fs; shifts the reading frame from valine 298.
Molecular consequence: frameshift variant.
Genome position (GRCh38, 1-based): chr16:23,635,653-23,635,654, AC deleted on the plus strand (GT on the coding strand, the reverse complement: PALB2 is on the minus strand); deleting any 2 consecutive bases within chr16:23,635,653-23,635,655 gives the same sequence; the c. name uses the placement nearest the transcript's 3' end. VCF-style (leftmost placement, unchanged base first): chr16-23635652-GAC-G. GRCh37 (hg19) VCF-style: chr16-23646973-GAC-G.
Other names: short protein forms V298fs.
Identifiers: ClinVar variation 1050102 (VCV001050102.3), dbSNP rs2142431841, ClinGen allele CA2499223442.